The following is an entry in ClinVar:

NM_001370259.2(MEN1):c.327dup (p.Gly110fs)

Gene: MEN1 (menin 1; minus strand). Cytogenetic location: 11q13.1.
Variant type: Duplication.
Coding change: c.327dup on transcript NM_001370259.2 (MANE Select); coding-DNA position 327, one base duplicated (A; older notation c.327dupA).
Protein change: p.Gly110fs; shifts the reading frame from glycine 110.
Molecular consequence: frameshift variant. On other transcripts: non-coding transcript variant (4).
Genome position (GRCh38, 1-based): chr11:64,809,783, T duplicated on the plus strand (A on the coding strand, the reverse complement: MEN1 is on the minus strand); the first of 2 consecutive T bases (chr11:64,809,783-64,809,784); duplicating either gives the same sequence. VCF-style (leftmost placement, unchanged base first): chr11-64809782-C-CT. GRCh37 (hg19) VCF-style: chr11-64577254-C-CT.
Other names: c.327dup, p.Gly110fs (NM_001370260.2, NM_001370261.2, NM_000244.4 and 20 more transcripts); c.327dupA (NM_130799.2); short protein forms G110fs.
Identifiers: ClinVar variation 3872258 (VCV003872258.1).

ClinVar aggregate classification (germline): Pathogenic (1 of 4 stars; one submission).

Conditions:
Hereditary cancer-predisposing syndrome. Also called: Tumor predisposition; Neoplastic Syndromes, Hereditary; Hereditary Cancer Syndrome; Hereditary neoplastic syndrome. Identifiers: Orphanet 140162, MedGen C0027672, MeSH D009386, MONDO:0015356.

Submission:

Ambry Genetics
Classification: Pathogenic for Hereditary cancer-predisposing syndrome. Last evaluated: 2025-03-07. Review status: criteria provided, single submitter. Criteria: Ambry Variant Classification Scheme 2023. Collection method: clinical testing. Allele origin: germline.
Comment: The c.327dupA pathogenic mutation, located in coding exon 1 of the MEN1 gene, results from a duplication of A at nucleotide position 327, causing a translational frameshift with a predicted alternate stop codon (p.G110Rfs*7). This variant is considered to be rare based on population cohorts in the Genome Aggregation Database (gnomAD). This alteration is expected to result in loss of function by premature protein truncation or nonsense-mediated mRNA decay. As such, this alteration is interpreted as a disease-causing mutation.